The following is an entry in ClinVar:

NM_139319.3(SLC17A8):c.638C>T (p.Pro213Leu)

Gene: SLC17A8 (solute carrier family 17 member 8; plus strand). Cytogenetic location: 12q23.1.
Variant type: single nucleotide variant.
Coding change: c.638C>T on transcript NM_139319.3 (MANE Select); coding-DNA position 638, C replaced by T.
Protein change: p.Pro213Leu; replaces proline 213 with leucine.
Molecular consequence: missense variant.
Genome position (GRCh38, 1-based): chr12:100,396,379, C>T. VCF-style: chr12-100396379-C-T. GRCh37 (hg19) VCF-style: chr12-100790157-C-T.
Other names: c.638C>T, p.Pro213Leu (NM_001145288.2); short protein forms P213L.
Identifiers: ClinVar variation 4864562 (VCV004864562.2).
Genomic context (GRCh38, chr12:100,396,379, plus strand): 5'-TCTTCTGCCAGGGTGTGACCTACCCAGCCTGCCATGGGATGTGGAGTAAGTGGGCACCAC[C>T]TTTGGAGAGAAGCCGACTGGCCACAACCTCTTTTTGTGGTGGGTATATTAGAATCGTAAC-3'
Protein context (NP_647480.1, residues 203-223): CHGMWSKWAP[Pro213Leu]LERSRLATTS

ClinVar aggregate classification (germline): Uncertain significance. Review status: criteria provided, multiple submitters, no conflicts (2 of 4 stars). 2 submissions from 2 submitters: Uncertain significance (2). Last evaluated 2026-04-30.

Conditions:
Inborn genetic diseases. Identifiers: MedGen C0950123, MeSH D030342.
SLC17A8-related disorder. Also called: SLC17A8-related condition.

Submissions (2):

Ambry Genetics
Classification: Uncertain significance for Inborn genetic diseases. Last evaluated: 2026-04-30. Review status: criteria provided, single submitter. Criteria: Ambry Variant Classification Scheme 2023. Collection method: clinical testing. Allele origin: germline.

PreventionGenetics, part of Exact Sciences
Classification: Uncertain significance for SLC17A8-related condition. Last evaluated: 2024-11-18. Review status: criteria provided, single submitter. Criteria: ACMG Guidelines, 2015. Collection method: clinical testing. Allele origin: germline.
Comment: The SLC17A8 c.638C>T variant is predicted to result in the amino acid substitution p.Pro213Leu. To our knowledge, this variant has not been reported in the literature or in a large population database (gnomAD), indicating this variant is rare. At this time, the clinical significance of this variant is uncertain due to the absence of conclusive functional and genetic evidence.